The following is an entry in ClinVar:

ClinVar aggregate classification (germline): Pathogenic (1 of 4 stars; one submission).

Conditions:
Hereditary cancer-predisposing syndrome. Also called: Neoplastic Syndromes, Hereditary; Tumor predisposition; Hereditary neoplastic syndrome; Hereditary Cancer Syndrome. Identifiers: Orphanet 140162, MedGen C0027672, MeSH D009386, MONDO:0015356.
Cardiovascular phenotype. Identifiers: MedGen CN230736.

Submission:

Ambry Genetics
Classification: Pathogenic for Cardiovascular phenotype; Hereditary cancer-predisposing syndrome. Last evaluated: 2023-04-25. Review status: criteria provided, single submitter. Criteria: Ambry Variant Classification Scheme 2023. Collection method: clinical testing. Allele origin: germline.
Comment: The c.1431_1433delTAAinsAT variant, located in coding exon 13 of the NF1 gene, results from the deletion of 3 nucleotides and insertion of two nucleotides causing a translational frameshift with a predicted alternate stop codon (p.F477Lfs*2). This variant is considered to be rare based on population cohorts in the Genome Aggregation Database (gnomAD). This alteration is expected to result in loss of function by premature protein truncation or nonsense-mediated mRNA decay. As such, this alteration is interpreted as a disease-causing mutation.

NM_001042492.3(NF1):c.1431_1433delinsAT (p.Phe477fs)

Gene: NF1 (neurofibromin 1; plus strand). Cytogenetic location: 17q11.2.
Variant type: Indel.
Coding change: c.1431_1433delinsAT on transcript NM_001042492.3 (MANE Select); coding-DNA positions 1431 to 1433, TAA replaced by AT.
Protein change: p.Phe477fs; shifts the reading frame from phenylalanine 477.
Molecular consequence: frameshift variant.
Genome position (GRCh38, 1-based): chr17:31,214,489-31,214,491, TAA replaced by AT. VCF-style: chr17-31214489-TAA-AT. GRCh37 (hg19) VCF-style: chr17-29541507-TAA-AT.
Other names: c.1431_1433delTAAinsAT (NM_000267.3); c.1431_1433delTAAinsAT, p.Phe477Leufs (NM_000267.4); c.1431_1433delinsAT, p.Phe477fs (NM_001128147.3); short protein forms F477fs.
Identifiers: ClinVar variation 3238245 (VCV003238245.1), dbSNP rs2544829260.
Genomic context (GRCh38, chr17:31,214,489, plus strand): 5'-CATGTTTTTGTTTTGTTTTTAGAGTCTTACATTTAAAGAAAAAGTAACAAGCCTTAAATT[TAA>AT]AGAAAAACCTACAGACCTGGAGACAAGAAGCTATAAGTATCTTCTCTTGTCCATGGTGAA-3'